The following is an entry in ClinVar:

NM_001042492.3(NF1):c.1895del (p.Cys632fs)

Gene: NF1 (neurofibromin 1; plus strand). Cytogenetic location: 17q11.2.
Variant type: Deletion.
Coding change: c.1895del on transcript NM_001042492.3 (MANE Select); coding-DNA position 1895, one base deleted (G; older notation c.1895delG).
Protein change: p.Cys632fs; shifts the reading frame from cysteine 632.
Molecular consequence: frameshift variant.
Genome position (GRCh38, 1-based): chr17:31,225,144, G deleted. VCF-style (leftmost placement, unchanged base first): chr17-31225143-TG-T. GRCh37 (hg19) VCF-style: chr17-29552161-TG-T.
Other names: c.1895delG, p.Cys632Leufs (NM_000267.4); c.1895delG (NM_000267.3); short protein forms C632fs.
Identifiers: ClinVar variation 660981 (VCV000660981.5), dbSNP rs1597710497, ClinGen allele CA915949758.

ClinVar aggregate classification (germline): Pathogenic (1 of 4 stars; one submission).

Conditions:
Neurofibromatosis, type 1 (NF1). Also called: VON RECKLINGHAUSEN DISEASE; NEUROFIBROMATOSIS, TYPE I, SOMATIC; Peripheral type neurofibromatosis; Neurofibromatosis, type I. Identifiers: Orphanet 636, MedGen C0027831, MONDO:0018975, OMIM 162200. Disease mechanism: loss of function.

Submission:

Labcorp Genetics (formerly Invitae), Labcorp
Classification: Pathogenic for Neurofibromatosis, type 1. Last evaluated: 2018-10-15. Review status: criteria provided, single submitter. Criteria: Invitae Variant Classification Sherloc (09022015). Collection method: clinical testing. Allele origin: germline.
Comment: For these reasons, this variant has been classified as Pathogenic. Loss-of-function variants in NF1 are known to be pathogenic (PMID: 10712197, 23913538). This variant has not been reported in the literature in individuals with NF1-related disease. This variant is not present in population databases (ExAC no frequency). This sequence change creates a premature translational stop signal (p.Cys632Leufs*56) in the NF1 gene. It is expected to result in an absent or disrupted protein product.

Literature cited by the submitters: PubMed 10712197; PubMed 23913538.